The following is an entry in ClinVar:

ClinVar aggregate classification (germline): Pathogenic (1 of 4 stars; one submission).

Submission:

GeneDx
Classification: Pathogenic. Last evaluated: 2026-04-23. Review status: criteria provided, single submitter. Criteria: GeneDx Variant Classification Process June 2021. Collection method: clinical testing. Allele origin: germline.
Comment: Nonsense variant predicted to result in protein truncation or nonsense mediated decay in a gene for which loss of function is a known mechanism of disease; Not observed at significant frequency in large population cohorts (gnomAD); Has not been previously published as pathogenic or benign to our knowledge

NM_001366521.1(ATP2B1):c.1925C>A (p.Ser642Ter)

Gene: ATP2B1 (ATPase plasma membrane Ca2+ transporting 1; minus strand). Cytogenetic location: 12q21.33.
Variant type: single nucleotide variant.
Coding change: c.1925C>A on transcript NM_001366521.1 (MANE Select); coding-DNA position 1925, C replaced by A.
Protein change: p.Ser642Ter; replaces serine 642 with a stop codon.
Molecular consequence: nonsense. On other transcripts: non-coding transcript variant (3).
Genome position (GRCh38, 1-based): chr12:89,616,944, G>T on the plus strand (C>A on the coding strand, the complement: ATP2B1 is on the minus strand). VCF-style: chr12-89616944-G-T. GRCh37 (hg19) VCF-style: chr12-90010721-G-T.
Other names: c.1925C>A, p.Ser642Ter (NM_001001323.2, NM_001366520.1, NM_001366522.1 and 12 more transcripts); c.1727C>A, p.Ser576Ter (NM_001366530.1, NM_001413053.1); c.1364C>A, p.Ser455Ter (NM_001366531.1, NM_001366532.1, NM_001413058.1 and 2 more transcripts); c.1472C>A, p.Ser491Ter (NM_001413057.1); c.1886C>A, p.Ser629Ter (NM_001413048.1); c.1784C>A, p.Ser595Ter (NM_001413051.1, NM_001413052.1, NM_001413055.1); c.1682C>A, p.Ser561Ter (NM_001413054.1); c.1670C>A, p.Ser557Ter (NM_001413056.1); short protein forms S455*, S491*, S557*, S561*, S576*, S595*, S629*, S642*.
Identifiers: ClinVar variation 3900597 (VCV003900597.2).